The following is an entry in ClinVar:

ClinVar aggregate classification (germline): Likely benign. Review status: criteria provided, multiple submitters, no conflicts (2 of 4 stars). 4 submissions from 4 submitters: Likely benign (3). 1 of the submissions does not count toward it. Last evaluated 2025-10-29.

Conditions:
ACTG1-related disorder. Also called: ACTG1-related disorders; ACTG1-related condition.
Baraitser-winter syndrome 2. Identifiers: Orphanet 2995, MedGen C3281235, MONDO:0013812, OMIM 614583.
Autosomal dominant nonsyndromic hearing loss 20. Identifiers: Orphanet 90635, MedGen C1858172, MONDO:0011480, OMIM 604717.

Allele frequency attached by ClinVar (database versions not stated): gnomAD 0.00006 and 0.00007.
gnomAD v4.1: 70 of 1,613,840 alleles (0.0043%); highest among the groups gnomAD compares: South Asian, 0.03%; no homozygotes.

Submissions (4):

Labcorp Genetics (formerly Invitae), Labcorp
Classification: Likely benign for Baraitser-winter syndrome 2; Autosomal dominant nonsyndromic hearing loss 20. Last evaluated: 2025-10-29. Review status: criteria provided, single submitter. Criteria: Invitae Variant Classification Sherloc (09022015). Collection method: clinical testing. Allele origin: germline.

Blueprint Genetics
Classification: Likely benign. Last evaluated: 2024-04-04. Review status: criteria provided, single submitter. Criteria: ACMG Guidelines, 2015. Collection method: clinical testing. Allele origin: germline.

GeneDx
Classification: Likely benign. Last evaluated: 2020-11-07. Review status: criteria provided, single submitter. Criteria: GeneDx Variant Classification Process June 2021. Collection method: clinical testing. Allele origin: germline. Affected: yes.

PreventionGenetics, part of Exact Sciences
Classification: Likely benign for ACTG1-related condition. Last evaluated: 2022-11-18. Review status: no assertion criteria provided. Collection method: clinical testing. Allele origin: germline. Not counted in ClinVar's aggregate classification.
Comment: This variant is classified as likely benign based on ACMG/AMP sequence variant interpretation guidelines (Richards et al. 2015 PMID: 25741868, with internal and published modifications).

NM_001614.5(ACTG1):c.624C>T (p.Ile208=)

Gene: ACTG1 (actin gamma 1; minus strand). Cytogenetic location: 17q25.3.
Variant type: single nucleotide variant.
Coding change: c.624C>T on transcript NM_001614.5 (MANE Select); coding-DNA position 624, C replaced by T.
Protein change: p.Ile208=; no amino-acid change (isoleucine 208 retained).
Molecular consequence: synonymous variant. On other transcripts: non-coding transcript variant (1).
Genome position (GRCh38, 1-based): chr17:81,511,366, G>A on the plus strand (C>T on the coding strand, the complement: ACTG1 is on the minus strand). VCF-style: chr17-81511366-G-A. GRCh37 (hg19) VCF-style: chr17-79478392-G-A.
Other names: c.624C>T, p.Ile208= (NM_001199954.3).
Identifiers: ClinVar variation 1216344 (VCV001216344.14), dbSNP rs370369574, ClinGen allele CA8836033.